The following is an entry in ClinVar:

ClinVar aggregate classification (germline): Conflicting classifications of pathogenicity. Review status: criteria provided, conflicting classifications (1 of 4 stars). 2 submissions from 2 submitters: Uncertain significance (1); Likely benign (1). Last evaluated 2023-02-08.

Conditions:
Hereditary cancer-predisposing syndrome. Also called: Neoplastic Syndromes, Hereditary; Tumor predisposition; Hereditary Cancer Syndrome; Hereditary neoplastic syndrome. Identifiers: Orphanet 140162, MedGen C0027672, MeSH D009386, MONDO:0015356.
Tuberous sclerosis 1 (TSC1). Identifiers: Orphanet 805, MedGen C1854465, MONDO:0008612, OMIM 191100.

Allele frequency attached by ClinVar (database versions not stated): gnomAD 0.00001.
gnomAD v4.1: 1 of 1,614,126 alleles (0.000062%); highest among the groups gnomAD compares: Non-Finnish European, 0.000085%; no homozygotes.

Submissions (2):

Labcorp Genetics (formerly Invitae), Labcorp
Classification: Likely benign for Tuberous sclerosis 1. Last evaluated: 2023-02-08. Review status: criteria provided, single submitter. Criteria: Invitae Variant Classification Sherloc (09022015). Collection method: clinical testing. Allele origin: germline.

Ambry Genetics
Classification: Uncertain significance for Hereditary cancer-predisposing syndrome. Last evaluated: 2022-02-26. Review status: criteria provided, single submitter. Criteria: Ambry Variant Classification Scheme 2023. Collection method: clinical testing. Allele origin: germline.
Comment: The p.I1074M variant (also known as c.3222C>G), located in coding exon 21 of the TSC1 gene, results from a C to G substitution at nucleotide position 3222. The isoleucine at codon 1074 is replaced by methionine, an amino acid with highly similar properties. This amino acid position is conserved. In addition, this alteration is predicted to be tolerated by in silico analysis. Since supporting evidence is limited at this time, the clinical significance of this alteration remains unclear.

NM_000368.5(TSC1):c.3222C>G (p.Ile1074Met)

Gene: TSC1 (TSC complex subunit 1; minus strand). Cytogenetic location: 9q34.13.
Variant type: single nucleotide variant.
Coding change: c.3222C>G on transcript NM_000368.5 (MANE Select); coding-DNA position 3222, C replaced by G.
Protein change: p.Ile1074Met; replaces isoleucine 1074 with methionine.
Molecular consequence: missense variant.
Genome position (GRCh38, 1-based): chr9:132,896,508, G>C on the plus strand (C>G on the coding strand, the complement: TSC1 is on the minus strand). VCF-style: chr9-132896508-G-C. GRCh37 (hg19) VCF-style: chr9-135771895-G-C.
Other names: c.3219C>G, p.Ile1073Met (NM_001162426.2, NM_001406597.1, NM_001406598.1 and 2 more transcripts); c.3069C>G, p.Ile1023Met (NM_001162427.2, NM_001406610.1); c.2859C>G, p.Ile953Met (NM_001362177.2, NM_001406618.1, NM_001406619.1 and 4 more transcripts); c.3222C>G, p.Ile1074Met (NM_001406592.1, NM_001406593.1, NM_001406594.1 and 2 more transcripts); c.3207C>G, p.Ile1069Met (NM_001406601.1, NM_001406602.1); c.3204C>G, p.Ile1068Met (NM_001406603.1, NM_001406604.1); c.3180C>G, p.Ile1060Met (NM_001406605.1, NM_001406606.1, NM_001406607.1); c.2856C>G, p.Ile952Met (NM_001406620.1, NM_001406621.1, NM_001406622.1 and 1 more transcripts); and 8 more; short protein forms I1023M, I1060M, I757M, I1008M, I1059M, I1069M, I1073M, I952M.
Identifiers: ClinVar variation 1729090 (VCV001729090.5), dbSNP rs1235657856, ClinGen allele CA375366960.